The following is an entry in ClinVar:

ClinVar aggregate classification (germline): Likely pathogenic (1 of 4 stars; one submission).

Conditions:
Short stature and advanced bone age, with or without early-onset osteoarthritis and/or osteochondritis dissecans (SSOAOD). Identifiers: Orphanet 251262, MedGen C3665488, MONDO:0100462, OMIM 165800.

Submission:

Centre of Medical Genetics, University Hospital Muenster
Classification: Likely pathogenic for Short stature and advanced bone age, with or without early-onset osteoarthritis and/or osteochondritis dissecans. Last evaluated: 2022-02-16. Review status: criteria provided, single submitter. Criteria: ACMG Guidelines, 2015. Collection method: clinical testing. Allele origin: germline. Affected: yes. Observed: 1 variant allele, 1 heterozygote.
Comment: ACMG categories: PVS1,PM2

NM_001369268.1(ACAN):c.293_315del (p.Ser98fs)

Gene: ACAN (aggrecan; plus strand). Cytogenetic location: 15q26.1.
Variant type: Deletion.
Coding change: c.293_315del on transcript NM_001369268.1 (MANE Select); coding-DNA positions 293 to 315, 23 bases deleted (GTGCCTATCAGGACAAGGTCTCA).
Protein change: p.Ser98fs; shifts the reading frame from serine 98.
Molecular consequence: frameshift variant.
Genome position (GRCh38, 1-based): chr15:88,838,885-88,838,907, GTGCCTATCAGGACAAGGTCTCA deleted; deleting any 23 consecutive bases within chr15:88,838,883-88,838,907 gives the same sequence; the c. name uses the placement nearest the transcript's 3' end. VCF-style (leftmost placement, unchanged base first): chr15-88838882-ACAGTGCCTATCAGGACAAGGTCT-A. GRCh37 (hg19) VCF-style: chr15-89382113-ACAGTGCCTATCAGGACAAGGTCT-A.
Other names: c.293_315del, p.Ser98fs (NM_001135.4, NM_013227.4); short protein forms S98fs.
Identifiers: ClinVar variation 1342158 (VCV001342158.3), dbSNP rs2141563800, ClinGen allele CA2573054114.
Genomic context (GRCh38, chr15:88,838,882, plus strand): 5'-GTGTGTCCAAGGAGAAGGAGGTAGTGCTGCTGGTGGCCACTGAAGGGCGCGTGCGGGTCA[ACAGTGCCTATCAGGACAAGGTCT>A]CACTGCCCAACTACCCGGCCATCCCCAGTGACGCCACCTTGGAAGTCCAGAGCCTGCGCT-3'